The following is an entry in ClinVar:

ClinVar aggregate classification (germline): Uncertain significance (1 of 4 stars; one submission).

Submission:

Labcorp Genetics (formerly Invitae), Labcorp
Classification: Uncertain significance. Last evaluated: 2022-04-12. Review status: criteria provided, single submitter. Criteria: Invitae Variant Classification Sherloc (09022015). Collection method: clinical testing. Allele origin: germline.
Comment: In summary, the available evidence is currently insufficient to determine the role of this variant in disease. Therefore, it has been classified as a Variant of Uncertain Significance. Algorithms developed to predict the effect of missense changes on protein structure and function (SIFT, PolyPhen-2, Align-GVGD) all suggest that this variant is likely to be tolerated. This variant has not been reported in the literature in individuals affected with SLC24A1-related conditions. This variant is not present in population databases (gnomAD no frequency). This sequence change replaces lysine, which is basic and polar, with threonine, which is neutral and polar, at codon 822 of the SLC24A1 protein (p.Lys822Thr).

NM_004727.3(SLC24A1):c.2465A>C (p.Lys822Thr)

Gene: SLC24A1 (solute carrier family 24 member 1; plus strand). Cytogenetic location: 15q22.31.
Variant type: single nucleotide variant.
Coding change: c.2465A>C on transcript NM_004727.3 (MANE Select); coding-DNA position 2465, A replaced by C.
Protein change: p.Lys822Thr; replaces lysine 822 with threonine.
Molecular consequence: missense variant.
Genome position (GRCh38, 1-based): chr15:65,650,614, A>C. VCF-style: chr15-65650614-A-C. GRCh37 (hg19) VCF-style: chr15-65942952-A-C.
Other names: c.446A>C, p.Lys149Thr (NM_001254740.2); c.2465A>C, p.Lys822Thr (NM_001301031.1); c.2411A>C, p.Lys804Thr (NM_001301032.1, NM_001301033.2); c.2123A>C, p.Lys708Thr (NM_001411142.1); short protein forms K149T, K822T, K708T, K804T.
Identifiers: ClinVar variation 2125249 (VCV002125249.4), dbSNP rs2548425581, ClinGen allele CA392899419.
Genomic context (GRCh38, chr15:65,650,614, plus strand): 5'-GAAAAGGAGACAATGAAGGTGAAGATGAGGGTGAAATCCACGCAGAAGATGGTGAAATGA[A>C]AGGTAATGAAGGTGAAACTGAAAGCCAGGAACTCAGTGCTGAAAATCACGGTGAAGCCAA-3'
Protein context (NP_004718.1, residues 812-832): GEIHAEDGEM[Lys822Thr]GNEGETESQE